The following is an entry in ClinVar:

NM_138694.4(PKHD1):c.8084A>G (p.Gln2695Arg)

Gene: PKHD1 (PKHD1 ciliary IPT domain containing fibrocystin/polyductin; minus strand). Cytogenetic location: 6p12.2.
Variant type: single nucleotide variant.
Coding change: c.8084A>G on transcript NM_138694.4 (MANE Select); coding-DNA position 8084, A replaced by G.
Protein change: p.Gln2695Arg; replaces glutamine 2695 with arginine.
Molecular consequence: missense variant.
Genome position (GRCh38, 1-based): chr6:51,847,798, T>C on the plus strand (A>G on the coding strand, the complement: PKHD1 is on the minus strand). VCF-style: chr6-51847798-T-C. GRCh37 (hg19) VCF-style: chr6-51712596-T-C.
Other names: c.8084A>G, p.Gln2695Arg (NM_170724.3); short protein forms Q2695R.
Identifiers: ClinVar variation 597239 (VCV000597239.10), dbSNP rs1185197350, ClinGen allele CA364429051.

ClinVar aggregate classification (germline): Uncertain significance. Review status: criteria provided, multiple submitters, no conflicts (2 of 4 stars). 5 submissions from 5 submitters: Uncertain significance (5). Last evaluated 2025-11-26.

Conditions:
PKHD1-related disorder. Also called: PKHD1-related condition.
Polycystic kidney disease 4 (PKD4). Also called: POLYCYSTIC KIDNEY DISEASE 4 WITH OR WITHOUT POLYCYSTIC LIVER DISEASE; Autosomal Recessive Polycystic Kidney Disease – PKHD1; POLYCYSTIC KIDNEY AND HEPATIC DISEASE 1; POLYCYSTIC KIDNEY DISEASE, INFANTILE, TYPE I; PKD3. Identifiers: MedGen C4540575, MONDO:0033004, OMIM 263200.
Inborn genetic diseases. Identifiers: MedGen C0950123, MeSH D030342.

Allele frequency attached by ClinVar (database versions not stated): TOPMed below 0.00001; gnomAD 0.00001; gnomAD exomes 0.00001.
gnomAD v4.1: 4 of 1,613,750 alleles (0.00025%); highest among the groups gnomAD compares: Admixed American, 0.0033%; no homozygotes.

Submissions (5):

PreventionGenetics, part of Exact Sciences
Classification: Uncertain significance for PKHD1-related condition. Last evaluated: 2025-11-26. Review status: criteria provided, single submitter. Criteria: ACMG Guidelines, 2015. Collection method: clinical testing. Allele origin: germline.
Comment: The PKHD1 c.8084A>G variant is predicted to result in the amino acid substitution p.Gln2695Arg. To our knowledge, this variant has not been reported in the literature. This variant is reported in 0.0058% of alleles in individuals of Latino descent in gnomAD. At this time, the clinical significance of this variant is uncertain due to the absence of conclusive functional and genetic evidence.

Ambry Genetics
Classification: Uncertain significance for Inborn genetic diseases. Last evaluated: 2025-09-24. Review status: criteria provided, single submitter. Criteria: Ambry Variant Classification Scheme 2023. Collection method: clinical testing. Allele origin: germline.

Fulgent Genetics
Classification: Uncertain significance for Polycystic kidney disease 4. Last evaluated: 2022-01-19. Review status: criteria provided, single submitter. Criteria: ACMG Guidelines, 2015. Collection method: clinical testing. Allele origin: unknown.

GeneDx
Classification: Uncertain significance. Last evaluated: 2019-10-30. Review status: criteria provided, single submitter. Criteria: GeneDx Variant Classification Process June 2021. Collection method: clinical testing. Allele origin: germline. Affected: yes.
Comment: Not observed at a significant frequency in large population cohorts (Lek et al., 2016); In silico analysis, which includes protein predictors and evolutionary conservation, supports that this variant does not alter protein structure/function; Has not been previously published as pathogenic or benign to our knowledge

Eurofins Ntd Llc (ga)
Classification: Uncertain significance. Last evaluated: 2018-05-17. Review status: criteria provided, single submitter. Criteria: EGL ClinVar v180209 classification definitions. Collection method: clinical testing. Allele origin: germline. Observed: 1 variant allele, 1 heterozygote.